The following is an entry in ClinVar:

ClinVar aggregate classification (germline): Pathogenic/Likely pathogenic. Review status: criteria provided, multiple submitters, no conflicts (2 of 4 stars). 3 submissions from 3 submitters: Pathogenic (1); Likely pathogenic (1). 1 of the submissions does not count toward it. Last evaluated 2024-04-22.

Conditions:
Autosomal recessive cerebellar ataxia-saccadic intrusion syndrome. Also called: VPS13D Movement Disorder; SPINOCEREBELLAR ATAXIA 24. Identifiers: Orphanet 95434, MedGen C1846492, MONDO:0011811, OMIM 607317.

Allele frequency attached by ClinVar (database versions not stated): gnomAD exomes below 0.00001.
gnomAD v4.1: 1 of 1,614,134 alleles (0.000062%); highest among the groups gnomAD compares: Non-Finnish European, 0.000085%; no homozygotes.

Submissions (3):

Labcorp Genetics (formerly Invitae), Labcorp
Classification: Pathogenic. Last evaluated: 2024-04-22. Review status: criteria provided, single submitter. Criteria: Invitae Variant Classification Sherloc (09022015). Collection method: clinical testing. Allele origin: germline.
Comment: This sequence change replaces glycine, which is neutral and non-polar, with aspartic acid, which is acidic and polar, at codon 1190 of the VPS13D protein (p.Gly1190Asp). This variant is not present in population databases (gnomAD no frequency). This missense change has been observed in individual(s) with VPS13D-related conditions (PMID: 29604224). In at least one individual the data is consistent with being in trans (on the opposite chromosome) from a pathogenic variant. It has also been observed to segregate with disease in related individuals. ClinVar contains an entry for this variant (Variation ID: 561198). Advanced modeling of protein sequence and biophysical properties (such as structural, functional, and spatial information, amino acid conservation, physicochemical variation, residue mobility, and thermodynamic stability) performed at Invitae indicates that this missense variant is not expected to disrupt VPS13D protein function with a negative predictive value of 80%. For these reasons, this variant has been classified as Pathogenic.

Genetic Services Laboratory, University of Chicago
Classification: Likely pathogenic. Last evaluated: 2020-04-13. Review status: criteria provided, single submitter. Criteria: ACMG Guidelines, 2015. Collection method: clinical testing. Allele origin: germline. Affected: yes.

OMIM
Classification: Pathogenic for SPINOCEREBELLAR ATAXIA, AUTOSOMAL RECESSIVE 4. Last evaluated: 2018-09-14. Review status: no assertion criteria provided. Collection method: literature only. Allele origin: germline. Not counted in ClinVar's aggregate classification.

Literature cited by the submitters: PubMed 29604224 (cited by Labcorp Genetics (formerly Invitae), Labcorp and OMIM); PubMed 11960835 (cited by OMIM).

NM_015378.4(VPS13D):c.3569G>A (p.Gly1190Asp)

Gene: VPS13D (vacuolar protein sorting 13 homolog D; plus strand). Cytogenetic location: 1p36.22.
Variant type: single nucleotide variant.
Coding change: c.3569G>A on transcript NM_015378.4 (MANE Select); coding-DNA position 3569, G replaced by A.
Protein change: p.Gly1190Asp; replaces glycine 1190 with aspartic acid.
Molecular consequence: missense variant.
Genome position (GRCh38, 1-based): chr1:12,277,157, G>A. VCF-style: chr1-12277157-G-A. GRCh37 (hg19) VCF-style: chr1-12337214-G-A.
Other names: c.3569G>A, p.Gly1190Asp (NM_018156.4, LRG_1213t1); c.3569G>A (NM_015378.2); short protein forms G1190D.
Identifiers: ClinVar variation 561198 (VCV000561198.9), dbSNP rs1557680919, ClinGen allele CA338475843.
Genomic context (GRCh38, chr1:12,277,157, plus strand): 5'-TCCATAGGCTGAACTTACTGCTTCTTCGGACAGTGGGCATGGCAAATAGAGAGAAATATG[G>A]CAGAAAAATTGCAACTGCAAGTATAGGTGGCACCAAAGTTAATGTCTCAATGGGTAGCAC-3'
Protein context (NP_056193.2, residues 1180-1200): TVGMANREKY[Gly1190Asp]RKIATASIGG